The following is an entry in ClinVar:

NM_002499.4(NEO1):c.38C>T (p.Thr13Ile)

Genes: NEO1 (neogenin 1; plus strand), LOC130057491 (ATAC-STARR-seq lymphoblastoid silent region 6631; plus strand). Cytogenetic location: 15q24.1.
Variant type: single nucleotide variant.
Coding change: c.38C>T on transcript NM_002499.4 (MANE Select); coding-DNA position 38, C replaced by T.
Protein change: p.Thr13Ile; replaces threonine 13 with isoleucine.
Molecular consequence: missense variant.
Genome position (GRCh38, 1-based): chr15:73,052,713, C>T. VCF-style: chr15-73052713-C-T. GRCh37 (hg19) VCF-style: chr15-73345054-C-T.
Other names: c.38C>T, p.Thr13Ile (NM_001172623.2, NM_001172624.2, NM_001419531.1); short protein forms T13I.
Identifiers: ClinVar variation 3345968 (VCV003345968.1).

ClinVar aggregate classification (germline): Uncertain significance (0 of 4 stars; one submission).

Conditions:
NEO1-related disorder. Also called: NEO1-related condition.

Submission:

PreventionGenetics, part of Exact Sciences
Classification: Uncertain significance for NEO1-related condition. Last evaluated: 2024-05-01. Review status: no assertion criteria provided. Collection method: clinical testing. Allele origin: germline.
Comment: The NEO1 c.38C>T variant is predicted to result in the amino acid substitution p.Thr13Ile. To our knowledge, this variant has not been reported in the literature or in a large population database, indicating this variant is rare. At this time, the clinical significance of this variant is uncertain due to the absence of conclusive functional and genetic evidence.